The following is an entry in ClinVar:

NM_014847.4(UBAP2L):c.2691C>A (p.Phe897Leu)

Gene: UBAP2L (ubiquitin associated protein 2 like; plus strand). Cytogenetic location: 1q21.3.
Variant type: single nucleotide variant.
Coding change: c.2691C>A on transcript NM_014847.4 (MANE Select); coding-DNA position 2691, C replaced by A.
Protein change: p.Phe897Leu; replaces phenylalanine 897 with leucine.
Molecular consequence: missense variant.
Genome position (GRCh38, 1-based): chr1:154,261,004, C>A. VCF-style: chr1-154261004-C-A. GRCh37 (hg19) VCF-style: chr1-154233480-C-A.
Other names: c.2691C>A, p.Phe897Leu (NM_001127320.3, NM_001375614.1, NM_001375615.1 and 14 more transcripts); c.2670C>A, p.Phe890Leu (NM_001287815.1); c.2724C>A, p.Phe908Leu (NM_001287816.1, NM_001330730.1, NM_001375612.1 and 2 more transcripts); short protein forms F890L, F897L, F908L.
Identifiers: ClinVar variation 3364805 (VCV003364805.1).

ClinVar aggregate classification (germline): Uncertain significance (1 of 4 stars; one submission).

Submission:

GeneDx
Classification: Uncertain significance. Last evaluated: 2023-11-29. Review status: criteria provided, single submitter. Criteria: GeneDx Variant Classification Process June 2021. Collection method: clinical testing. Allele origin: germline. Affected: yes.
Comment: Not observed at significant frequency in large population cohorts (gnomAD); In silico analysis supports that this missense variant has a deleterious effect on protein structure/function; Has not been previously published as pathogenic or benign to our knowledge